The following is an entry in ClinVar:

NM_000179.3(MSH6):c.3654T>C (p.Gly1218=)

Gene: MSH6 (mutS homolog 6; plus strand). Cytogenetic location: 2p16.3.
Variant type: single nucleotide variant.
Coding change: c.3654T>C on transcript NM_000179.3 (MANE Select); coding-DNA position 3654, T replaced by C.
Protein change: p.Gly1218=; no amino-acid change (glycine 1218 retained).
Molecular consequence: synonymous variant.
Genome position (GRCh38, 1-based): chr2:47,806,211, T>C. VCF-style: chr2-47806211-T-C. GRCh37 (hg19) VCF-style: chr2-48033350-T-C.
Other names: c.3264T>C, p.Gly1088= (NM_001281492.2); c.2748T>C, p.Gly916= (NM_001281493.2, NM_001281494.2).
Identifiers: ClinVar variation 1332125 (VCV001332125.13), dbSNP rs2104536952, ClinGen allele CA425997671.

ClinVar aggregate classification (germline): Benign/Likely benign. Review status: criteria provided, multiple submitters, no conflicts (2 of 4 stars). 4 submissions from 4 submitters: Benign (1); Likely benign (3). Last evaluated 2025-01-07.

Conditions:
Lynch syndrome 5 (LYNCH5). Also called: Colorectal cancer, hereditary nonpolyposis, type 5; Hereditary non-polyposis colorectal cancer, type 5. Identifiers: Orphanet 144, MedGen C1833477, MONDO:0013710, OMIM 614350. Disease mechanism: loss of function.
Hereditary nonpolyposis colorectal neoplasms. Identifiers: MedGen C0009405, MeSH D003123.
Hereditary cancer-predisposing syndrome. Also called: Tumor predisposition; Hereditary Cancer Syndrome; Neoplastic Syndromes, Hereditary; Hereditary neoplastic syndrome. Identifiers: Orphanet 140162, MedGen C0027672, MeSH D009386, MONDO:0015356.

Submissions (4):

Myriad Genetics, Inc.
Classification: Benign for Lynch syndrome 5. Last evaluated: 2025-01-07. Review status: criteria provided, single submitter. Criteria: Myriad Autosomal Dominant, Autosomal Recessive and X-Linked Classification Criteria (2023). Collection method: clinical testing. Allele origin: unknown.
Comment: This variant is considered benign. This variant is a silent/synonymous amino acid change and it is not expected to impact splicing.

Labcorp Genetics (formerly Invitae), Labcorp
Classification: Likely benign for Hereditary nonpolyposis colorectal neoplasms. Last evaluated: 2021-04-26. Review status: criteria provided, single submitter. Criteria: Invitae Variant Classification Sherloc (09022015). Collection method: clinical testing. Allele origin: germline.

Color Diagnostics, LLC DBA Color Health
Classification: Likely benign for Hereditary cancer-predisposing syndrome. Last evaluated: 2021-03-08. Review status: criteria provided, single submitter. Criteria: ACMG Guidelines, 2015. Collection method: clinical testing. Allele origin: germline.

Ambry Genetics
Classification: Likely benign for Hereditary cancer-predisposing syndrome. Last evaluated: 2017-06-12. Review status: criteria provided, single submitter. Criteria: Ambry Variant Classification Scheme 2023. Collection method: clinical testing. Allele origin: germline.